The following is an entry in ClinVar:

ClinVar aggregate classification (germline): Uncertain significance. Review status: criteria provided, multiple submitters, no conflicts (2 of 4 stars). 3 submissions from 3 submitters: Uncertain significance (3). Last evaluated 2023-11-27.

Conditions:
Inborn genetic diseases. Identifiers: MedGen C0950123, MeSH D030342.

Allele frequency attached by ClinVar (database versions not stated): gnomAD exomes 0.00003; ExAC 0.00004; gnomAD 0.00006; TOPMed 0.00006; ESP Exome Variant Server 0.00022.
gnomAD v4.1: 105 of 1,551,936 alleles (0.0068%); highest among the groups gnomAD compares: Middle Eastern, 0.017%; 1 homozygote.

Submissions (3):

Labcorp Genetics (formerly Invitae), Labcorp
Classification: Uncertain significance. Last evaluated: 2023-11-27. Review status: criteria provided, single submitter. Criteria: Invitae Variant Classification Sherloc (09022015). Collection method: clinical testing. Allele origin: germline.
Comment: This sequence change replaces valine, which is neutral and non-polar, with isoleucine, which is neutral and non-polar, at codon 1691 of the UNC80 protein (p.Val1691Ile). This variant is present in population databases (rs373218585, gnomAD 0.01%). This variant has not been reported in the literature in individuals affected with UNC80-related conditions. ClinVar contains an entry for this variant (Variation ID: 1495035). Advanced modeling of protein sequence and biophysical properties (such as structural, functional, and spatial information, amino acid conservation, physicochemical variation, residue mobility, and thermodynamic stability) performed at Invitae indicates that this missense variant is not expected to disrupt UNC80 protein function with a negative predictive value of 80%. In summary, the available evidence is currently insufficient to determine the role of this variant in disease. Therefore, it has been classified as a Variant of Uncertain Significance.

Ambry Genetics
Classification: Uncertain significance for Inborn genetic diseases. Last evaluated: 2023-03-14. Review status: criteria provided, single submitter. Criteria: Ambry Variant Classification Scheme 2023. Collection method: clinical testing. Allele origin: germline.

Blueprint Genetics
Classification: Uncertain significance. Last evaluated: 2022-06-07. Review status: criteria provided, single submitter. Criteria: ACMG Guidelines, 2015. Collection method: clinical testing. Allele origin: germline.

NM_001371986.1(UNC80):c.5269G>A (p.Val1757Ile)

Genes: UNC80 (unc-80 subunit of NALCN channel complex; plus strand), LOC126806490 (P300/CBP strongly-dependent group 1 enhancer GRCh37_chr2:210782411-210783610; plus strand). Cytogenetic location: 2q34.
Variant type: single nucleotide variant.
Coding change: c.5269G>A on transcript NM_001371986.1 (MANE Select); coding-DNA position 5269, G replaced by A.
Protein change: p.Val1757Ile; replaces valine 1757 with isoleucine.
Molecular consequence: missense variant.
Genome position (GRCh38, 1-based): chr2:209,918,589, G>A. VCF-style: chr2-209918589-G-A. GRCh37 (hg19) VCF-style: chr2-210783313-G-A.
Other names: c.5071G>A, p.Val1691Ile (NM_032504.2); c.5056G>A, p.Val1686Ile (NM_182587.4); c.5071G>A (NM_032504.1); short protein forms V1686I, V1691I, V1757I.
Identifiers: ClinVar variation 1495035 (VCV001495035.7), dbSNP rs373218585, ClinGen allele CA2083273.
Genomic context (GRCh38, chr2:209,918,589, plus strand): 5'-CAGATTCCGCCTCCCAGTATCAATTTCACCCTTCCCTCGCCGGTGCTTGGAATGCCATCC[G>A]TCCCAATGTTTGACCCACCGTGGGTTCCTCAGTGCAGCGGGAGTGTCCAGGACCCCATTA-3'
Protein context (NP_001358915.1, residues 1747-1767): LPSPVLGMPS[Val1757Ile]PMFDPPWVPQ